The following is an entry in ClinVar:

NM_015175.3(NBEAL2):c.4978C>T (p.Arg1660Cys)

Gene: NBEAL2 (neurobeachin like 2; plus strand). Cytogenetic location: 3p21.31.
Variant type: single nucleotide variant.
Coding change: c.4978C>T on transcript NM_015175.3 (MANE Select); coding-DNA position 4978, C replaced by T.
Protein change: p.Arg1660Cys; replaces arginine 1660 with cysteine.
Molecular consequence: missense variant.
Genome position (GRCh38, 1-based): chr3:47,002,115, C>T. VCF-style: chr3-47002115-C-T. GRCh37 (hg19) VCF-style: chr3-47043605-C-T.
Other names: c.4876C>T, p.Arg1626Cys (NM_001365116.2); short protein forms R1660C, R1626C.
Identifiers: ClinVar variation 345669 (VCV000345669.6), dbSNP rs142355538, ClinGen allele CA2361403.

ClinVar aggregate classification (germline): Conflicting classifications of pathogenicity. Review status: criteria provided, conflicting classifications (1 of 4 stars). 2 submissions from 2 submitters: Uncertain significance (1); Likely benign (1). Last evaluated 2024-11-15.

Conditions:
Gray platelet syndrome (GPS). Also called: BLEEDING DISORDER, PLATELET-TYPE, 4. Identifiers: Orphanet 721, MedGen C0272302, MONDO:0007686, OMIM 139090.

Allele frequency attached by ClinVar (database versions not stated): gnomAD 0.00006 and 0.00014; TOPMed 0.00010; ExAC 0.00018; gnomAD exomes 0.00021 and 0.00025; 1000 Genomes Project 30x 0.00078; 1000 Genomes Project 0.00100.
gnomAD v4.1: 361 of 1,550,462 alleles (0.023%); highest among the groups gnomAD compares: East Asian, 0.83%; 3 homozygotes.

Submissions (2):

Blueprint Genetics
Classification: Uncertain significance. Last evaluated: 2024-11-15. Review status: criteria provided, single submitter. Criteria: ACMG Guidelines, 2015. Collection method: clinical testing. Allele origin: germline.

Illumina Laboratory Services, Illumina
Classification: Likely benign for Gray platelet syndrome. Last evaluated: 2018-01-13. Review status: criteria provided, single submitter. Criteria: ICSL Variant Classification Criteria 13 December 2019. Collection method: clinical testing. Allele origin: germline.
Comment: This variant was observed in the ICSL laboratory as part of a predisposition screen in an ostensibly healthy population. It had not been previously curated by ICSL or reported in the Human Gene Mutation Database (HGMD: prior to June 1st, 2018), and was therefore a candidate for classification through an automated scoring system. Utilizing variant allele frequency, disease prevalence and penetrance estimates, and inheritance mode, an automated score was calculated to assess if this variant is too frequent to cause the disease. Based on the score and internal cut-off values, a variant classified as likely benign is not then subjected to further curation. The score for this variant resulted in a classification of likely benign for this disease.